The following is an entry in ClinVar:

NM_000393.5(COL5A2):c.2553+5A>T

Gene: COL5A2 (collagen type V alpha 2 chain; minus strand). Cytogenetic location: 2q32.2.
Variant type: single nucleotide variant.
Coding change: c.2553+5A>T on transcript NM_000393.5 (MANE Select); 5 bases into the intron after coding-DNA position 2553, A replaced by T.
Molecular consequence: intron variant.
Genome position (GRCh38, 1-based): chr2:189,053,419, T>A on the plus strand (A>T on the coding strand, the complement: COL5A2 is on the minus strand). VCF-style: chr2-189053419-T-A. GRCh37 (hg19) VCF-style: chr2-189918145-T-A.
Identifiers: ClinVar variation 1224714 (VCV001224714.10), dbSNP rs371072906, ClinGen allele CA62597310.
Genomic context (GRCh38, chr2:189,053,419, plus strand): 5'-ATCATTAAACTTATTATAACAAGATAAGTGTTTATTTGTAAATTAGGGATATTTGAAAAT[T>A]ATACCTGGGGTCCGGCAAAACCAACAGCTCCAGTTGGCCCATTTTCACCTCGAGAACCCT-3'

ClinVar aggregate classification (germline): Conflicting classifications of pathogenicity. Review status: criteria provided, conflicting classifications (1 of 4 stars). 3 submissions from 3 submitters: Uncertain significance (1); Likely benign (2). Last evaluated 2025-10-21.

Conditions:
Ehlers-Danlos syndrome, classic type, 1 (EDSCL1). Also called: EHLERS-DANLOS SYNDROME, GRAVIS TYPE; EHLERS-DANLOS SYNDROME, SEVERE CLASSIC TYPE; Ehlers-Danlos syndrome, type 1; Ehlers-Danlos Syndrome, Classic Type, COL5A1-Related; EDS I. Identifiers: MedGen C0268335, MONDO:0019567, OMIM 130000.

Allele frequency attached by ClinVar (database versions not stated): gnomAD exomes 0.00002 and below 0.00001; ESP Exome Variant Server 0.00008.
gnomAD v4.1: 21 of 1,612,670 alleles (0.0013%); highest among the groups gnomAD compares: Non-Finnish European, 0.0018%; no homozygotes.

Submissions (3):

Mayo Clinic Laboratories, Mayo Clinic
Classification: Likely benign. Last evaluated: 2025-10-21. Review status: criteria provided, single submitter. Criteria: ACMG Guidelines, 2015. Collection method: clinical testing. Allele origin: germline. Observed: 1 variant allele.
Comment: BP4, BP7

Labcorp Genetics (formerly Invitae), Labcorp
Classification: Uncertain significance for Ehlers-Danlos syndrome, classic type, 1. Last evaluated: 2023-11-05. Review status: criteria provided, single submitter. Criteria: Invitae Variant Classification Sherloc (09022015). Collection method: clinical testing. Allele origin: germline.
Comment: This sequence change falls in intron 38 of the COL5A2 gene. It does not directly change the encoded amino acid sequence of the COL5A2 protein. It affects a nucleotide within the consensus splice site. This variant is present in population databases (rs371072906, gnomAD 0.0009%). This variant has not been reported in the literature in individuals affected with COL5A2-related conditions. ClinVar contains an entry for this variant (Variation ID: 1224714). Variants that disrupt the consensus splice site are a relatively common cause of aberrant splicing (PMID: 17576681, 9536098). Algorithms developed to predict the effect of sequence changes on RNA splicing suggest that this variant is not likely to affect RNA splicing. In summary, the available evidence is currently insufficient to determine the role of this variant in disease. Therefore, it has been classified as a Variant of Uncertain Significance.

GeneDx
Classification: Likely benign. Last evaluated: 2021-01-29. Review status: criteria provided, single submitter. Criteria: GeneDx Variant Classification Process June 2021. Collection method: clinical testing. Allele origin: germline. Affected: yes.

Literature cited by the submitters: PubMed 17576681 (cited by Labcorp Genetics (formerly Invitae), Labcorp); PubMed 9536098 (cited by Labcorp Genetics (formerly Invitae), Labcorp).